The following is an entry in ClinVar:

ClinVar aggregate classification (germline): not provided (0 of 4 stars; one submission).

Conditions:
Large for gestational age. Identifiers: MedGen C1848395, HP:0001520.

Submission:

Institute of Molecular and Cell Biology, University of Tartu
No classification provided. Condition: Large for gestational age. Review status: no classification provided. Collection method: case-control. Allele origin: unknown. Affected: yes. Study: Kasak2014.
Comment: The study aimed to determine the contribution of copy number variants in the genetic etiology of normal and complicated pregnancies. The samples represented (i) maternal blood DNA drawn from healthy pregnant women during 1st or 2nd trimester and (ii) maternal and paternal blood DNA drawn at term pregnancy cases representing normal and complicated gestations (severe preeclampsia, PE; gestational diabetes, GD; small-for-gestational age newborn, SGA; large-for-gestational age newborn, LGA). We performed CNV calling based on genome-wide genotyping dataset (Illumina HumanOmniExpress-24-v1 BeadChip) by applying three algorithms, QuantiSNP, GADA (Genome Alteration Detection Algorithm) and CNstream in parallel. The acquired CNV calls were merged with HD-CNV (Hotspot Detector for Copy Number Variants) program and only the CNVs predicted by at least two programs, were considered in subsequent analysis.

Literature cited by the submitters: PubMed 25666259.

NC_000007.14:g.152176768_152580446dup

Genes: KMT2C (lysine methyltransferase 2C; minus strand), LINC01003 (long intergenic non-protein coding RNA 1003; plus strand), LOC123956272 (Sharpr-MPRA regulatory region 15588; plus strand), LOC123956273 (Sharpr-MPRA regulatory region 5889; plus strand), LOC129389938 (MPRA-validated peak6855 silencer; plus strand) and 9 more. Cytogenetic location: 7q36.1.
Variant type: Duplication.
Identifiers: ClinVar variation 157082 (VCV000157082.2).